The following is an entry in ClinVar:

ClinVar aggregate classification (germline): Uncertain significance (1 of 4 stars; one submission).

Submission:

Labcorp Genetics (formerly Invitae), Labcorp
Classification: Uncertain significance. Last evaluated: 2023-02-11. Review status: criteria provided, single submitter. Criteria: Invitae Variant Classification Sherloc (09022015). Collection method: clinical testing. Allele origin: germline.
Comment: In summary, the available evidence is currently insufficient to determine the role of this variant in disease. Therefore, it has been classified as a Variant of Uncertain Significance. Advanced modeling of protein sequence and biophysical properties (such as structural, functional, and spatial information, amino acid conservation, physicochemical variation, residue mobility, and thermodynamic stability) performed at Invitae indicates that this missense variant is not expected to disrupt LEMD3 protein function. This variant has not been reported in the literature in individuals affected with LEMD3-related conditions. This variant is not present in population databases (gnomAD no frequency). This sequence change replaces aspartic acid, which is acidic and polar, with glutamic acid, which is acidic and polar, at codon 142 of the LEMD3 protein (p.Asp142Glu).

NM_014319.5(LEMD3):c.426C>G (p.Asp142Glu)

Genes: LEMD3 (LEM domain containing 3; plus strand), LOC130008224 (ATAC-STARR-seq lymphoblastoid silent region 4630; plus strand). Cytogenetic location: 12q14.3.
Variant type: single nucleotide variant.
Coding change: c.426C>G on transcript NM_014319.5 (MANE Select); coding-DNA position 426, C replaced by G.
Protein change: p.Asp142Glu; replaces aspartic acid 142 with glutamic acid.
Molecular consequence: missense variant.
Genome position (GRCh38, 1-based): chr12:65,170,022, C>G. VCF-style: chr12-65170022-C-G. GRCh37 (hg19) VCF-style: chr12-65563802-C-G.
Other names: c.426C>G, p.Asp142Glu (NM_001167614.2); short protein forms D142E.
Identifiers: ClinVar variation 2836432 (VCV002836432.3), dbSNP rs1386943717, ClinGen allele CA385673040.